The following is an entry in ClinVar:

ClinVar aggregate classification (germline): Uncertain significance (1 of 4 stars; one submission).

Conditions:
Spermatogenic failure 18. Identifiers: MedGen C4539783, MONDO:0054615, OMIM 617576.
Ciliary dyskinesia, primary, 37 (CILD37). Also called: CILIARY DYSKINESIA, PRIMARY, 37, WITH OR WITHOUT SITUS INVERSUS. Identifiers: MedGen C4539798, MONDO:0033204, OMIM 617577.

Allele frequency attached by ClinVar (database versions not stated): gnomAD exomes below 0.00001; gnomAD 0.00001.
gnomAD v4.1: 5 of 1,607,458 alleles (0.00031%); highest among the groups gnomAD compares: Non-Finnish European, 0.00042%; no homozygotes.

Submission:

Labcorp Genetics (formerly Invitae), Labcorp
Classification: Uncertain significance for Ciliary dyskinesia, primary, 37; Spermatogenic failure 18. Last evaluated: 2022-07-12. Review status: criteria provided, single submitter. Criteria: Invitae Variant Classification Sherloc (09022015). Collection method: clinical testing. Allele origin: germline.
Comment: This sequence change replaces asparagine, which is neutral and polar, with lysine, which is basic and polar, at codon 2333 of the DNAH1 protein (p.Asn2333Lys). This variant is present in population databases (no rsID available, gnomAD 0.02%). This variant has not been reported in the literature in individuals affected with DNAH1-related conditions. ClinVar contains an entry for this variant (Variation ID: 1370272). Algorithms developed to predict the effect of missense changes on protein structure and function output the following: SIFT: "Tolerated"; PolyPhen-2: "Benign"; Align-GVGD: "Class C0". The lysine amino acid residue is found in multiple mammalian species, which suggests that this missense change does not adversely affect protein function. In summary, the available evidence is currently insufficient to determine the role of this variant in disease. Therefore, it has been classified as a Variant of Uncertain Significance.

NM_015512.5(DNAH1):c.6999C>G (p.Asn2333Lys)

Gene: DNAH1 (dynein axonemal heavy chain 1; plus strand). Cytogenetic location: 3p21.1.
Variant type: single nucleotide variant.
Coding change: c.6999C>G on transcript NM_015512.5 (MANE Select); coding-DNA position 6999, C replaced by G.
Protein change: p.Asn2333Lys; replaces asparagine 2333 with lysine.
Molecular consequence: missense variant.
Genome position (GRCh38, 1-based): chr3:52,375,253, C>G. VCF-style: chr3-52375253-C-G. GRCh37 (hg19) VCF-style: chr3-52409269-C-G.
Other names: short protein forms N2333K.
Identifiers: ClinVar variation 1370272 (VCV001370272.8), dbSNP rs1274495133, ClinGen allele CA353170182.